The following is an entry in ClinVar:

ClinVar aggregate classification (germline): Uncertain significance. Review status: criteria provided, multiple submitters, no conflicts (2 of 4 stars). 3 submissions from 3 submitters: Uncertain significance (3). Last evaluated 2025-06-30.

Conditions:
Cardiovascular phenotype. Identifiers: MedGen CN230736.
Autosomal recessive limb-girdle muscular dystrophy type 2J (LGMDR10). Also called: Limb-girdle muscular dystrophy, type 2J; MUSCULAR DYSTROPHY, LIMB-GIRDLE, AUTOSOMAL RECESSIVE 10. Identifiers: Orphanet 140922, MedGen C1837342, MONDO:0012127, OMIM 608807.
Dilated cardiomyopathy 1G (CMD1G). Identifiers: Orphanet 154, MedGen C1858763, MONDO:0011400, OMIM 604145.

Allele frequency attached by ClinVar (database versions not stated): TOPMed 0.00001.
gnomAD v4.1: 2 of 1,613,934 alleles (0.00012%); highest among the groups gnomAD compares: Non-Finnish European, 0.000085%; no homozygotes.

Submissions (3):

GeneDx
Classification: Uncertain significance. Last evaluated: 2025-06-30. Review status: criteria provided, single submitter. Criteria: GeneDx Variant Classification Process June 2021. Collection method: clinical testing. Allele origin: germline. Affected: yes.
Comment: Not observed at significant frequency in large population cohorts (gnomAD); Missense variant in a gene in which most reported pathogenic variants are truncating/loss of function; Has not been previously published as pathogenic or benign to our knowledge

Labcorp Genetics (formerly Invitae), Labcorp
Classification: Uncertain significance for Dilated cardiomyopathy 1G; Autosomal recessive limb-girdle muscular dystrophy type 2J. Last evaluated: 2025-03-26. Review status: criteria provided, single submitter. Criteria: Invitae Variant Classification Sherloc (09022015). Collection method: clinical testing. Allele origin: germline.
Comment: This sequence change replaces valine, which is neutral and non-polar, with leucine, which is neutral and non-polar, at codon 35928 of the TTN protein (p.Val35928Leu). This variant is not present in population databases (gnomAD no frequency). This variant has not been reported in the literature in individuals affected with TTN-related conditions. ClinVar contains an entry for this variant (Variation ID: 1761824). Experimental studies and prediction algorithms are not available or were not evaluated, and the functional significance of this variant is currently unknown. This variant is located in the M band of TTN (PMID: 25589632). Non-truncating variants in this region may be relevant for neuromuscular disorders, but have not been definitively shown to cause cardiomyopathy (PMID: 23975875). In summary, the available evidence is currently insufficient to determine the role of this variant in disease. Therefore, it has been classified as a Variant of Uncertain Significance.

Ambry Genetics
Classification: Uncertain significance for Cardiovascular phenotype. Last evaluated: 2020-09-04. Review status: criteria provided, single submitter. Criteria: Ambry Variant Classification Scheme 2023. Collection method: clinical testing. Allele origin: germline.
Comment: The p.V26863L variant (also known as c.80587G>T), located in coding exon 190 of the TTN gene, results from a G to T substitution at nucleotide position 80587. The valine at codon 26863 is replaced by leucine, an amino acid with highly similar properties. This amino acid position is poorly conserved in available vertebrate species. In addition, this alteration is predicted to be tolerated by in silico analysis. Since supporting evidence is limited at this time, the clinical significance of this alteration remains unclear.

Literature cited by the submitters: PubMed 25589632 (cited by Labcorp Genetics (formerly Invitae), Labcorp); PubMed 23975875 (cited by Labcorp Genetics (formerly Invitae), Labcorp).

NM_001267550.2(TTN):c.107782G>T (p.Val35928Leu)

Genes: TTN-AS1 (TTN antisense RNA 1; plus strand), TTN (titin; minus strand). Cytogenetic location: 2q31.2.
Variant type: single nucleotide variant.
Coding change: c.107782G>T on transcript NM_001267550.2 (MANE Select); coding-DNA position 107782, G replaced by T.
Protein change: p.Val35928Leu; replaces valine 35928 with leucine.
Molecular consequence: missense variant.
Genome position (GRCh38, 1-based): chr2:178,527,206, C>A on the plus strand (G>T on the coding strand, the complement: TTN is on the minus strand). VCF-style: chr2-178527206-C-A. GRCh37 (hg19) VCF-style: chr2-179391933-C-A.
Other names: c.102859G>T, p.Val34287Leu (NM_001256850.1); c.80587G>T, p.Val26863Leu (NM_003319.4); c.100078G>T, p.Val33360Leu (NM_133378.4); c.80962G>T, p.Val26988Leu (NM_133432.3); c.81163G>T, p.Val27055Leu (NM_133437.4); short protein forms V26863L, V26988L, V35928L, V33360L, V34287L, V27055L.
Identifiers: ClinVar variation 1761824 (VCV001761824.8), dbSNP rs1575170744, ClinGen allele CA349399146.